The following is an entry in ClinVar:

NM_015512.5(DNAH1):c.4721A>G (p.Lys1574Arg)

Gene: DNAH1 (dynein axonemal heavy chain 1; plus strand). Cytogenetic location: 3p21.1.
Variant type: single nucleotide variant.
Coding change: c.4721A>G on transcript NM_015512.5 (MANE Select); coding-DNA position 4721, A replaced by G.
Protein change: p.Lys1574Arg; replaces lysine 1574 with arginine.
Molecular consequence: missense variant.
Genome position (GRCh38, 1-based): chr3:52,361,199, A>G. VCF-style: chr3-52361199-A-G. GRCh37 (hg19) VCF-style: chr3-52395215-A-G.
Other names: short protein forms K1574R.
Identifiers: ClinVar variation 2198534 (VCV002198534.3), dbSNP rs185997066, ClinGen allele CA2433996.

ClinVar aggregate classification (germline): Uncertain significance (1 of 4 stars; one submission).

Conditions:
Spermatogenic failure 18. Identifiers: MedGen C4539783, MONDO:0054615, OMIM 617576.
Ciliary dyskinesia, primary, 37 (CILD37). Also called: CILIARY DYSKINESIA, PRIMARY, 37, WITH OR WITHOUT SITUS INVERSUS. Identifiers: MedGen C4539798, MONDO:0033204, OMIM 617577.

Allele frequency attached by ClinVar (database versions not stated): ExAC 0.00002; TOPMed 0.00005; gnomAD exomes 0.00006; gnomAD 0.00012; 1000 Genomes Project 0.00020; 1000 Genomes Project 30x 0.00031.
gnomAD v4.1: 105 of 1,611,940 alleles (0.0065%); highest among the groups gnomAD compares: Admixed American, 0.04%; no homozygotes.

Submission:

Labcorp Genetics (formerly Invitae), Labcorp
Classification: Uncertain significance for Ciliary dyskinesia, primary, 37; Spermatogenic failure 18. Last evaluated: 2024-11-04. Review status: criteria provided, single submitter. Criteria: Invitae Variant Classification Sherloc (09022015). Collection method: clinical testing. Allele origin: germline.
Comment: This sequence change replaces lysine, which is basic and polar, with arginine, which is basic and polar, at codon 1574 of the DNAH1 protein (p.Lys1574Arg). This variant is present in population databases (rs185997066, gnomAD 0.02%). This variant has not been reported in the literature in individuals affected with DNAH1-related conditions. ClinVar contains an entry for this variant (Variation ID: 2198534). Invitae Evidence Modeling of protein sequence and biophysical properties (such as structural, functional, and spatial information, amino acid conservation, physicochemical variation, residue mobility, and thermodynamic stability) indicates that this missense variant is expected to disrupt DNAH1 protein function with a positive predictive value of 80%. In summary, the available evidence is currently insufficient to determine the role of this variant in disease. Therefore, it has been classified as a Variant of Uncertain Significance.